The following is an entry in ClinVar:

ClinVar aggregate classification (germline): Conflicting classifications of pathogenicity. Review status: criteria provided, conflicting classifications (1 of 4 stars). 5 submissions from 5 submitters: Uncertain significance (2); Likely benign (3). Last evaluated 2026-04-22.

Conditions:
GDAP1-related disorder. Also called: GDAP1-related disorders; GDAP1-related condition.
Charcot-Marie-Tooth disease type 4A. Also called: Charcot-Marie-Tooth disease, demyelinating, autosomal recessive, type 4a. Identifiers: Orphanet 99948, MedGen C1859198, MONDO:0008961, OMIM 214400.

Allele frequency attached by ClinVar (database versions not stated): gnomAD 0.00006 and 0.00007; gnomAD exomes 0.00010 and 0.00052; TOPMed 0.00024; ExAC 0.00040.
gnomAD v4.1: 157 of 1,612,180 alleles (0.0097%); highest among the groups gnomAD compares: Admixed American, 0.25%; no homozygotes.

Submissions (5):

PreventionGenetics, part of Exact Sciences
Classification: Likely benign for GDAP1-related condition. Last evaluated: 2026-04-22. Review status: criteria provided, single submitter. Criteria: ACMG Guidelines, 2015. Collection method: clinical testing. Allele origin: germline.
Comment: This variant is classified as likely benign based on ACMG/AMP sequence variant interpretation guidelines (Richards et al. 2015 PMID: 25741868, with internal and published modifications).

Labcorp Genetics (formerly Invitae), Labcorp
Classification: Likely benign for Charcot-Marie-Tooth disease type 4A. Last evaluated: 2026-01-11. Review status: criteria provided, single submitter. Criteria: Invitae Variant Classification Sherloc (09022015). Collection method: clinical testing. Allele origin: germline.

Women's Health and Genetics/Laboratory Corporation of America, LabCorp
Classification: Likely benign. Last evaluated: 2025-09-16. Review status: criteria provided, single submitter. Criteria: LabCorp Variant Classification Summary - May 2015. Collection method: clinical testing. Allele origin: germline.
Comment: Variant summary: GDAP1 c.33C>G (p.Ser11Arg) results in a non-conservative amino acid change in the encoded protein sequence. Algorithms developed to predict the effect of missense changes on protein structure and function are either unavailable or do not agree on the potential impact of this missense change. The variant allele was found at a frequency of 0.00052 in 249624 control chromosomes, predominantly at a frequency of 0.0038 within the Latino subpopulation in the gnomAD database. The observed variant frequency within Latino control individuals in the gnomAD database exceeds the estimated maximal expected allele frequency for disease-causing variants in GDAP1. To our knowledge, no occurrence of c.33C>G in individuals affected with GDAP1-related conditions and no experimental evidence demonstrating its impact on protein function have been reported. ClinVar contains an entry for this variant (Variation ID: 467759). Based on the evidence outlined above, the variant was classified as likely benign.

ARUP Laboratories, Molecular Genetics and Genomics, ARUP Laboratories
Classification: Uncertain significance. Last evaluated: 2024-09-18. Review status: criteria provided, single submitter. Criteria: ARUP Molecular Germline Variant Investigation Process 2024. Collection method: clinical testing. Allele origin: germline.
Comment: The GDAP1 c.33C>G; p.Ser11Arg variant (rs202010117), to our knowledge, is not reported in the medical literature but is reported in ClinVar (Variation ID: 467759). This variant is observed in the general population with an overall allele frequency of 0.05% (135/281014 alleles) in the Genome Aggregation Database (v2.1.1). Computational analyses are uncertain whether this variant is neutral or deleterious (REVEL: 0.27). Due to limited information, the clinical significance of this variant is uncertain at this time.

GeneDx
Classification: Uncertain significance. Last evaluated: 2018-05-21. Review status: criteria provided, single submitter. Criteria: GeneDx Variant Classification (06012015). Collection method: clinical testing. Allele origin: germline. Affected: yes.
Comment: The S11R variant has not been published as a pathogenic variant, nor has it been reported as a benign variant to our knowledge. The S11R variant is observed in 134/34386 (0.4%) alleles from individuals of Latino background (Lek et al., 2016). The S11R variant is a semi-conservative amino acid substitution, which may impact secondary protein structure as these residues differ in some properties. However, in-silico analyses, including protein predictors and evolutionary conservation, support that this variant does not alter protein structure/function. Therefore, based on the currently available information, it is unclear whether this variant is a pathogenic variant or a rare benign variant.

NM_018972.4(GDAP1):c.33C>G (p.Ser11Arg)

Genes: GDAP1 (ganglioside induced differentiation associated protein 1; plus strand), LOC130000622 (ATAC-STARR-seq lymphoblastoid active region 27542; plus strand). Cytogenetic location: 8q21.11.
Variant type: single nucleotide variant.
Coding change: c.33C>G on transcript NM_018972.4 (MANE Select); coding-DNA position 33, C replaced by G.
Protein change: p.Ser11Arg; replaces serine 11 with arginine.
Molecular consequence: missense variant. On other transcripts: 5 prime UTR variant (2), intron variant (1).
Genome position (GRCh38, 1-based): chr8:74,350,494, C>G. VCF-style: chr8-74350494-C-G. GRCh37 (hg19) VCF-style: chr8-75262729-C-G.
Other names: c.-150C>G (NM_001362929.2); c.33C>G, p.Ser11Arg (NM_001362930.2, NM_001362931.2); c.-102C>G (NM_001362932.2); c.-64+22C>G (NM_001040875.4); short protein forms S11R.
Identifiers: ClinVar variation 467759 (VCV000467759.16), dbSNP rs202010117, ClinGen allele CA4785000.